The following is an entry in ClinVar:

ClinVar aggregate classification (germline): Uncertain significance (1 of 4 stars; one submission).

Allele frequency attached by ClinVar (database versions not stated): gnomAD exomes below 0.00001.
gnomAD v4.1: 1 of 1,611,178 alleles (0.000062%); highest among the groups gnomAD compares: Non-Finnish European, 0.000085%; no homozygotes.

Submission:

Labcorp Genetics (formerly Invitae), Labcorp
Classification: Uncertain significance. Last evaluated: 2022-03-18. Review status: criteria provided, single submitter. Criteria: Invitae Variant Classification Sherloc (09022015). Collection method: clinical testing. Allele origin: germline.
Comment: This sequence change replaces aspartic acid, which is acidic and polar, with glycine, which is neutral and non-polar, at codon 428 of the ATF6 protein (p.Asp428Gly). This variant is not present in population databases (gnomAD no frequency). This variant has not been reported in the literature in individuals affected with ATF6-related conditions. Algorithms developed to predict the effect of missense changes on protein structure and function output the following: SIFT: "Tolerated"; PolyPhen-2: "Benign"; Align-GVGD: "Class C0". The glycine amino acid residue is found in multiple mammalian species, which suggests that this missense change does not adversely affect protein function. In summary, the available evidence is currently insufficient to determine the role of this variant in disease. Therefore, it has been classified as a Variant of Uncertain Significance.

NM_007348.4(ATF6):c.1283A>G (p.Asp428Gly)

Gene: ATF6 (activating transcription factor 6; plus strand). Cytogenetic location: 1q23.3.
Variant type: single nucleotide variant.
Coding change: c.1283A>G on transcript NM_007348.4 (MANE Select); coding-DNA position 1283, A replaced by G.
Protein change: p.Asp428Gly; replaces aspartic acid 428 with glycine.
Molecular consequence: missense variant.
Genome position (GRCh38, 1-based): chr1:161,846,544, A>G. VCF-style: chr1-161846544-A-G. GRCh37 (hg19) VCF-style: chr1-161816334-A-G.
Other names: c.1283A>G, p.Asp428Gly (NM_001410890.1); short protein forms D428G.
Identifiers: ClinVar variation 2113929 (VCV002113929.4), dbSNP rs2525322337, ClinGen allele CA343378864.